The following is an entry in ClinVar:

ClinVar aggregate classification (germline): Benign (1 of 4 stars; one submission).

Conditions:
Lynch syndrome 5 (LYNCH5). Also called: Colorectal cancer, hereditary nonpolyposis, type 5; Hereditary non-polyposis colorectal cancer, type 5. Identifiers: Orphanet 144, MedGen C1833477, MONDO:0013710, OMIM 614350. Disease mechanism: loss of function.

Submission:

Myriad Genetics, Inc.
Classification: Benign for Lynch syndrome 5. Last evaluated: 2024-12-31. Review status: criteria provided, single submitter. Criteria: Myriad Autosomal Dominant, Autosomal Recessive and X-Linked Classification Criteria (2023). Collection method: clinical testing. Allele origin: unknown.
Comment: This variant is considered benign. This variant is a silent/synonymous amino acid change and it is not expected to impact splicing.

NM_000179.3(MSH6):c.2382C>G (p.Ala794=)

Gene: MSH6 (mutS homolog 6; plus strand). Cytogenetic location: 2p16.3.
Variant type: single nucleotide variant.
Coding change: c.2382C>G on transcript NM_000179.3 (MANE Select); coding-DNA position 2382, C replaced by G.
Protein change: p.Ala794=; no amino-acid change (alanine 794 retained).
Molecular consequence: synonymous variant. On other transcripts: non-coding transcript variant (5), intron variant (3).
Genome position (GRCh38, 1-based): chr2:47,800,365, C>G. VCF-style: chr2-47800365-C-G. GRCh37 (hg19) VCF-style: chr2-48027504-C-G.
Other names: c.1992C>G, p.Ala664= (NM_001281492.2); c.1476C>G, p.Ala492= (NM_001281493.2, NM_001281494.2, NM_001406811.1 and 6 more transcripts); c.2478C>G, p.Ala826= (NM_001406795.1, NM_001406802.1); c.2382C>G, p.Ala794= (NM_001406796.1, NM_001406798.1, NM_001406800.1 and 2 more transcripts); c.2085C>G, p.Ala695= (NM_001406797.1, NM_001406801.1, NM_001406805.1 and 10 more transcripts); c.1857C>G, p.Ala619= (NM_001406799.1, NM_001406806.1, NM_001406807.1); c.2304C>G, p.Ala768= (NM_001406804.1); c.2388C>G, p.Ala796= (NM_001406813.1); and 4 more.
Identifiers: ClinVar variation 3904145 (VCV003904145.1).
Genomic context (GRCh38, chr2:47,800,365, plus strand): 5'-AAAGCAATGGCTTTGTGCCCCACTCTGTAACCATTATGCTATTAATGATCGTCTAGATGC[C>G]ATAGAAGACCTCATGGTTGTGCCTGACAAAATCTCCGAAGTTGTAGAGCTTCTAAAGAAG-3'
Protein context (NP_000170.1, residues 784-804): NHYAINDRLD[Ala794=]IEDLMVVPDK